The following is an entry in ClinVar:

NM_000213.5(ITGB4):c.707T>C (p.Phe236Ser)

Gene: ITGB4 (integrin subunit beta 4; plus strand). Cytogenetic location: 17q25.1.
Variant type: single nucleotide variant.
Coding change: c.707T>C on transcript NM_000213.5 (MANE Select); coding-DNA position 707, T replaced by C.
Protein change: p.Phe236Ser; replaces phenylalanine 236 with serine.
Molecular consequence: missense variant.
Genome position (GRCh38, 1-based): chr17:75,729,405, T>C. VCF-style: chr17-75729405-T-C. GRCh37 (hg19) VCF-style: chr17-73725486-T-C.
Other names: c.707T>C, p.Phe236Ser (NM_001005619.2, NM_001005731.3, NM_001321123.2 and 1 more transcripts); short protein forms F236S.
Identifiers: ClinVar variation 4082606 (VCV004082606.1).

ClinVar aggregate classification (germline): Uncertain significance (1 of 4 stars; one submission).

Submission:

GeneDx
Classification: Uncertain significance. Last evaluated: 2025-03-02. Review status: criteria provided, single submitter. Criteria: GeneDx Variant Classification Process June 2021. Collection method: clinical testing. Allele origin: germline. Affected: yes.
Comment: Not observed at significant frequency in large population cohorts (gnomAD); In silico analysis supports that this missense variant has a deleterious effect on protein structure/function; Has not been previously published as pathogenic or benign to our knowledge